The following is an entry in ClinVar:

NM_004369.4(COL6A3):c.7463A>G (p.Glu2488Gly)

Gene: COL6A3 (collagen type VI alpha 3 chain; minus strand). Cytogenetic location: 2q37.3.
Variant type: single nucleotide variant.
Coding change: c.7463A>G on transcript NM_004369.4 (MANE Select); coding-DNA position 7463, A replaced by G.
Protein change: p.Glu2488Gly; replaces glutamic acid 2488 with glycine.
Molecular consequence: missense variant.
Genome position (GRCh38, 1-based): chr2:237,344,555, T>C on the plus strand (A>G on the coding strand, the complement: COL6A3 is on the minus strand). VCF-style: chr2-237344555-T-C. GRCh37 (hg19) VCF-style: chr2-238253198-T-C.
Other names: c.5642A>G, p.Glu1881Gly (NM_057166.5); c.6845A>G, p.Glu2282Gly (NM_057167.4); short protein forms E1881G, E2282G, E2488G.
Identifiers: ClinVar variation 1719835 (VCV001719835.6), dbSNP rs2469817220, ClinGen allele CA351202830.

ClinVar aggregate classification (germline): Uncertain significance (1 of 4 stars; one submission).

Conditions:
Bethlem myopathy 1A. Also called: MYOPATHY, BENIGN CONGENITAL, WITH CONTRACTURES; Bethlem Muscular Dystrophy; Bethlem myopathy 1. Identifiers: Orphanet 610, MedGen CN029274, MONDO:0024530, OMIM 158810.

Submission:

Labcorp Genetics (formerly Invitae), Labcorp
Classification: Uncertain significance for Bethlem myopathy 1A. Last evaluated: 2022-09-20. Review status: criteria provided, single submitter. Criteria: Invitae Variant Classification Sherloc (09022015). Collection method: clinical testing. Allele origin: germline.
Comment: This variant has not been reported in the literature in individuals affected with COL6A3-related conditions. This sequence change replaces glutamic acid, which is acidic and polar, with glycine, which is neutral and non-polar, at codon 2488 of the COL6A3 protein (p.Glu2488Gly). This variant is not present in population databases (gnomAD no frequency). Advanced modeling of protein sequence and biophysical properties (such as structural, functional, and spatial information, amino acid conservation, physicochemical variation, residue mobility, and thermodynamic stability) performed at Invitae indicates that this missense variant is not expected to disrupt COL6A3 protein function. In summary, the available evidence is currently insufficient to determine the role of this variant in disease. Therefore, it has been classified as a Variant of Uncertain Significance.